The following is an entry in ClinVar:

ClinVar aggregate classification (germline): Uncertain significance (1 of 4 stars; one submission).

gnomAD v4.1: 4 of 1,614,052 alleles (0.00025%); highest among the groups gnomAD compares: Admixed American, 0.0033%; no homozygotes.

Submission:

Labcorp Genetics (formerly Invitae), Labcorp
Classification: Uncertain significance. Last evaluated: 2024-11-03. Review status: criteria provided, single submitter. Criteria: Invitae Variant Classification Sherloc (09022015). Collection method: clinical testing. Allele origin: germline.
Comment: This sequence change replaces valine, which is neutral and non-polar, with isoleucine, which is neutral and non-polar, at codon 146 of the PTDSS1 protein (p.Val146Ile). This variant is not present in population databases (gnomAD no frequency). This variant has not been reported in the literature in individuals affected with PTDSS1-related conditions. An algorithm developed to predict the effect of missense changes on protein structure and function outputs the following: PolyPhen-2: "Benign". The isoleucine amino acid residue is found in multiple mammalian species, which suggests that this missense change does not adversely affect protein function. In summary, the available evidence is currently insufficient to determine the role of this variant in disease. Therefore, it has been classified as a Variant of Uncertain Significance.

NM_014754.3(PTDSS1):c.436G>A (p.Val146Ile)

Gene: PTDSS1 (phosphatidylserine synthase 1; plus strand). Cytogenetic location: 8q22.1.
Variant type: single nucleotide variant.
Coding change: c.436G>A on transcript NM_014754.3 (MANE Select); coding-DNA position 436, G replaced by A.
Protein change: p.Val146Ile; replaces valine 146 with isoleucine.
Molecular consequence: missense variant. On other transcripts: intron variant (1).
Genome position (GRCh38, 1-based): chr8:96,287,141, G>A. VCF-style: chr8-96287141-G-A. GRCh37 (hg19) VCF-style: chr8-97299369-G-A.
Other names: c.4-7957G>A (NM_001290225.2); short protein forms V146I.
Identifiers: ClinVar variation 3632312 (VCV003632312.2).